The following is an entry in ClinVar:

ClinVar aggregate classification (germline): Uncertain significance (1 of 4 stars; one submission).

Allele frequency attached by ClinVar (database versions not stated): gnomAD exomes below 0.00001.
gnomAD v4.1: 1 of 1,612,882 alleles (0.000062%); highest among the groups gnomAD compares: Non-Finnish European, 0.000085%; no homozygotes.

Submission:

Ambry Genetics
Classification: Uncertain significance. Last evaluated: 2023-06-24. Review status: criteria provided, single submitter. Criteria: Ambry Variant Classification Scheme 2023. Collection method: clinical testing. Allele origin: germline.
Comment: The p.A189D variant (also known as c.566C>A), located in coding exon 7 of the NPAT gene, results from a C to A substitution at nucleotide position 566. The alanine at codon 189 is replaced by aspartic acid, an amino acid with dissimilar properties. This amino acid position is conserved. In addition, this alteration is predicted to be tolerated by in silico analysis. Since supporting evidence is limited at this time, the clinical significance of this alteration remains unclear.

NM_002519.3(NPAT):c.566C>A (p.Ala189Asp)

Gene: NPAT (nuclear protein, coactivator of histone transcription; minus strand). Cytogenetic location: 11q22.3.
Variant type: single nucleotide variant.
Coding change: c.566C>A on transcript NM_002519.3 (MANE Select); coding-DNA position 566, C replaced by A.
Protein change: p.Ala189Asp; replaces alanine 189 with aspartic acid.
Molecular consequence: missense variant.
Genome position (GRCh38, 1-based): chr11:108,188,170, G>T on the plus strand (C>A on the coding strand, the complement: NPAT is on the minus strand). VCF-style: chr11-108188170-G-T. GRCh37 (hg19) VCF-style: chr11-108058897-G-T.
Other names: c.566C>A, p.Ala189Asp (NM_001321307.1); short protein forms A189D.
Identifiers: ClinVar variation 2587654 (VCV002587654.2), dbSNP rs2496743320, ClinGen allele CA382523442.